The following is an entry in ClinVar:

ClinVar aggregate classification (germline): Uncertain significance. Review status: criteria provided, multiple submitters, no conflicts (2 of 4 stars). 2 submissions from 2 submitters: Uncertain significance (2). Last evaluated 2023-09-13.

Conditions:
Long QT syndrome (LQTS). Identifiers: MedGen C0023976, MeSH D008133, MONDO:0002442. Disease mechanism: loss of function. Inheritance: Various modes of inheritance.
Cardiovascular phenotype. Identifiers: MedGen CN230736.

Allele frequency attached by ClinVar (database versions not stated): gnomAD 0.00001; 1000 Genomes Project 30x 0.00016; 1000 Genomes Project 0.00020; gnomAD exomes 0.00001; TOPMed 0.00002.
gnomAD v4.1: 4 of 1,613,040 alleles (0.00025%); highest among the groups gnomAD compares: East Asian, 0.0089%; no homozygotes.

Submissions (2):

Ambry Genetics
Classification: Uncertain significance for Cardiovascular phenotype. Last evaluated: 2023-09-13. Review status: criteria provided, single submitter. Criteria: Ambry Variant Classification Scheme 2023. Collection method: clinical testing. Allele origin: germline.

Labcorp Genetics (formerly Invitae), Labcorp
Classification: Uncertain significance for Long QT syndrome. Last evaluated: 2023-08-17. Review status: criteria provided, single submitter. Criteria: Invitae Variant Classification Sherloc (09022015). Collection method: clinical testing. Allele origin: germline.
Comment: In summary, the available evidence is currently insufficient to determine the role of this variant in disease. Therefore, it has been classified as a Variant of Uncertain Significance. Algorithms developed to predict the effect of missense changes on protein structure and function output the following: SIFT: "Not Available"; PolyPhen-2: "Benign"; Align-GVGD: "Not Available". The valine amino acid residue is found in multiple mammalian species, which suggests that this missense change does not adversely affect protein function. ClinVar contains an entry for this variant (Variation ID: 1490253). This variant has not been reported in the literature in individuals affected with AKAP9-related conditions. This variant is present in population databases (rs538801309, gnomAD 0.01%). This sequence change replaces isoleucine, which is neutral and non-polar, with valine, which is neutral and non-polar, at codon 3068 of the AKAP9 protein (p.Ile3068Val).

NM_005751.5(AKAP9):c.9202A>G (p.Ile3068Val)

Gene: AKAP9 (A-kinase anchoring protein 9; plus strand). Cytogenetic location: 7q21.2.
Variant type: single nucleotide variant.
Coding change: c.9202A>G on transcript NM_005751.5 (MANE Select); coding-DNA position 9202, A replaced by G.
Protein change: p.Ile3068Val; replaces isoleucine 3068 with valine.
Molecular consequence: missense variant.
Genome position (GRCh38, 1-based): chr7:92,086,405, A>G. VCF-style: chr7-92086405-A-G. GRCh37 (hg19) VCF-style: chr7-91715719-A-G.
Other names: c.3847A>G, p.Ile1283Val (NM_001379277.1); c.9178A>G, p.Ile3060Val (NM_147185.3); c.9202A>G (NM_005751.4); short protein forms I3060V, I3068V, I1283V.
Identifiers: ClinVar variation 1490253 (VCV001490253.7), dbSNP rs538801309, ClinGen allele CA161888946.